The following is an entry in ClinVar:

ClinVar aggregate classification (germline): Pathogenic (1 of 4 stars; one submission).

Conditions:
Fetal akinesia deformation sequence 1 (FADS1). Also called: Pena-Shokeir syndrome type I; Fetal akinesia sequence. Identifiers: Orphanet 994, MedGen C1276035, MONDO:0100101, OMIM 208150, HP:0001989.
Congenital myasthenic syndrome 9. Also called: Myasthenic syndrome, congenital, 9, associated with acetylcholine receptor deficiency. Identifiers: Orphanet 590, MedGen C4225368, MONDO:0014587, OMIM 616325.

Submission:

Labcorp Genetics (formerly Invitae), Labcorp
Classification: Pathogenic for Congenital myasthenic syndrome 9; Fetal akinesia deformation sequence 1. Last evaluated: 2023-10-22. Review status: criteria provided, single submitter. Criteria: Invitae Variant Classification Sherloc (09022015). Collection method: clinical testing. Allele origin: germline.
Comment: This sequence change creates a premature translational stop signal (p.Ser531*) in the MUSK gene. It is expected to result in an absent or disrupted protein product. Loss-of-function variants in MUSK are known to be pathogenic (PMID: 8653786, 25612909, 25695962, 25900532). This variant is not present in population databases (gnomAD no frequency). This variant has not been reported in the literature in individuals affected with MUSK-related conditions. For these reasons, this variant has been classified as Pathogenic.

Literature cited by the submitters: PubMed 8653786; PubMed 25612909; PubMed 25695962; PubMed 25900532.

NM_005592.4(MUSK):c.1592C>G (p.Ser531Ter)

Gene: MUSK (muscle associated receptor tyrosine kinase; plus strand). Cytogenetic location: 9q31.3.
Variant type: single nucleotide variant.
Coding change: c.1592C>G on transcript NM_005592.4 (MANE Select); coding-DNA position 1592, C replaced by G.
Protein change: p.Ser531Ter; replaces serine 531 with a stop codon.
Molecular consequence: nonsense.
Genome position (GRCh38, 1-based): chr9:110,785,532, C>G. VCF-style: chr9-110785532-C-G. GRCh37 (hg19) VCF-style: chr9-113547812-C-G.
Other names: c.1334C>G, p.Ser445Ter (NM_001166280.2); c.1304C>G, p.Ser435Ter (NM_001166281.2); c.332C>G, p.Ser111Ter (NM_001369398.1); short protein forms S445*, S531*, S111*, S435*.
Identifiers: ClinVar variation 2953184 (VCV002953184.3), dbSNP rs2491151455, ClinGen allele CA374475619.